The following is an entry in ClinVar:

ClinVar aggregate classification (germline): Uncertain significance. Review status: criteria provided, multiple submitters, no conflicts (2 of 4 stars). 2 submissions from 2 submitters: Uncertain significance (2). Last evaluated 2025-08-07.

Conditions:
Congenital sensory neuropathy with selective loss of small myelinated fibers (HSAN5). Also called: HSAN Type V. Identifiers: Orphanet 64752, MedGen C0020075, MONDO:0012092, OMIM 608654.

Allele frequency attached by ClinVar (database versions not stated): gnomAD exomes 0.00002 and 0.00004; TOPMed 0.00002; gnomAD 0.00003 and 0.00004; ExAC 0.00006.
gnomAD v4.1: 31 of 1,613,784 alleles (0.0019%); highest among the groups gnomAD compares: Non-Finnish European, 0.0019%; no homozygotes.

Submissions (2):

Mayo Clinic Laboratories, Mayo Clinic
Classification: Uncertain significance. Last evaluated: 2025-08-07. Review status: criteria provided, single submitter. Criteria: ACMG Guidelines, 2015. Collection method: clinical testing. Allele origin: germline. Observed: 1 variant allele.
Comment: BP4_moderate

Labcorp Genetics (formerly Invitae), Labcorp
Classification: Uncertain significance for Congenital sensory neuropathy with selective loss of small myelinated fibers. Last evaluated: 2021-12-21. Review status: criteria provided, single submitter. Criteria: Invitae Variant Classification Sherloc (09022015). Collection method: clinical testing. Allele origin: germline.
Comment: In summary, the available evidence is currently insufficient to determine the role of this variant in disease. Therefore, it has been classified as a Variant of Uncertain Significance. Algorithms developed to predict the effect of missense changes on protein structure and function are either unavailable or do not agree on the potential impact of this missense change (SIFT: "Deleterious"; PolyPhen-2: "Possibly Damaging"; Align-GVGD: "Class C0"). ClinVar contains an entry for this variant (Variation ID: 567617). This variant has not been reported in the literature in individuals affected with NGF-related conditions. The frequency data for this variant in the population databases is considered unreliable, as metrics indicate poor data quality at this position in the gnomAD database. This sequence change replaces phenylalanine, which is neutral and non-polar, with leucine, which is neutral and non-polar, at codon 133 of the NGF protein (p.Phe133Leu).

Literature cited by the submitters: PubMed 32497034 (cited by Mayo Clinic Laboratories, Mayo Clinic).

NM_002506.3(NGF):c.399C>A (p.Phe133Leu)

Genes: NGF (nerve growth factor; minus strand), NGF-AS1 (NGF antisense RNA 1; plus strand). Cytogenetic location: 1p13.2.
Variant type: single nucleotide variant.
Coding change: c.399C>A on transcript NM_002506.3 (MANE Select); coding-DNA position 399, C replaced by A.
Protein change: p.Phe133Leu; replaces phenylalanine 133 with leucine.
Molecular consequence: missense variant.
Genome position (GRCh38, 1-based): chr1:115,286,397, G>T on the plus strand (C>A on the coding strand, the complement: NGF is on the minus strand). VCF-style: chr1-115286397-G-T. GRCh37 (hg19) VCF-style: chr1-115829018-G-T.
Other names: p.Phe133Leu; short protein forms F133L.
Identifiers: ClinVar variation 567617 (VCV000567617.7), dbSNP rs746897874, ClinGen allele CA1022981.
Genomic context (GRCh38, chr1:115,286,397, plus strand): 5'-CTTGATGTCTGTGGCGGTGGTCTTATCCCCAACCCACACGCTGACACTGTCACACACCGA[G>T]AATTCGCCCCTGTGGAAGATGGGATGGGATGATGACCGCTTGCTCCTGTGAGTCCTGTTG-3'
Protein context (NP_002497.2, residues 123-143): SSHPIFHRGE[Phe133Leu]SVCDSVSVWV